The following is an entry in ClinVar:

ClinVar aggregate classification (germline): Uncertain significance (1 of 4 stars; one submission).

Conditions:
Meier-Gorlin syndrome 6. Identifiers: Orphanet 2554, MedGen C4225188, MONDO:0014794, OMIM 616835. Disease mechanism: gain of function.

Submission:

Laboratorio de Genetica e Diagnostico Molecular, Hospital Israelita Albert Einstein
Classification: Uncertain significance for Meier-Gorlin syndrome 6. Last evaluated: 2024-03-18. Review status: criteria provided, single submitter. Criteria: ACMG Guidelines, 2015. Collection method: clinical testing. Allele origin: germline. Affected: yes.
Comment: ACMG classification criteria: PVS1 moderate, PM2 supporting

NM_015895.5(GMNN):c.568_569del (p.Glu190fs)

Gene: GMNN (geminin DNA replication inhibitor; plus strand). Cytogenetic location: 6p22.3.
Variant type: Deletion.
Coding change: c.568_569del on transcript NM_015895.5 (MANE Select); coding-DNA positions 568 to 569, 2 bases deleted (GA; older notation c.568_569delGA).
Protein change: p.Glu190fs; shifts the reading frame from glutamic acid 190.
Molecular consequence: frameshift variant.
Genome position (GRCh38, 1-based): chr6:24,785,737-24,785,738, GA deleted; deleting any 2 consecutive bases within chr6:24,785,736-24,785,738 gives the same sequence; the c. name uses the placement nearest the transcript's 3' end. VCF-style (leftmost placement, unchanged base first): chr6-24785735-CAG-C. GRCh37 (hg19) VCF-style: chr6-24785963-CAG-C.
Other names: c.568_569del, p.Glu190fs (NM_001251989.2, NM_001251990.2, NM_001251991.1); short protein forms E190fs.
Identifiers: ClinVar variation 4056499 (VCV004056499.1).
Genomic context (GRCh38, chr6:24,785,735, plus strand): 5'-TGGATAATCAGGAATTTGATTCTGAAGAAGAAACTGTTGAGGATTCTCTAGTGGAAGACT[CAG>C]AAATTGGCACGTGTGCTGAAGGAACTGTATCTTCCTCTACGGATGCAAAGCCATGTATAT-3'